The following is an entry in ClinVar:

ClinVar aggregate classification (germline): Uncertain significance. Review status: criteria provided, multiple submitters, no conflicts (2 of 4 stars). 5 submissions from 5 submitters: Uncertain significance (5). Last evaluated 2024-12-16.

Conditions:
Hereditary nonpolyposis colorectal neoplasms. Identifiers: MedGen C0009405, MeSH D003123.
Hereditary cancer-predisposing syndrome. Also called: Hereditary Cancer Syndrome; Hereditary neoplastic syndrome; Neoplastic Syndromes, Hereditary; Tumor predisposition. Identifiers: Orphanet 140162, MedGen C0027672, MeSH D009386, MONDO:0015356.
Lynch syndrome. Identifiers: Orphanet 144, MedGen C4552100, MONDO:0005835. Disease mechanism: loss of function.
Endometrial carcinoma. Also called: Endometrial carcinoma, somatic. Identifiers: MedGen C0476089, MONDO:0002447, OMIM 608089, HP:0012114.

Allele frequency attached by ClinVar (database versions not stated): gnomAD exomes 0.00001.
gnomAD v4.1: 4 of 1,611,630 alleles (0.00025%); highest among the groups gnomAD compares: South Asian, 0.0033%; no homozygotes.

Submissions (5):

Molecular Diagnostics Laboratory, Catalan Institute of Oncology
Classification: Uncertain significance for Hereditary cancer-predisposing syndrome. Last evaluated: 2024-12-16. Review status: criteria provided, single submitter. Criteria: MMR VCEP Paper Draft V3.1. Collection method: clinical testing. Allele origin: germline.
Comment: PM2_Supporting, BP4 c.12G>C located in exon 1 of the MSH6 gene, is predicted to result in the substitution of glutamine by histidine at codon 4, p.(Gln4His). It is not present in the population database gnomAD v2.1.1, non-cancer dataset (PM2_supporting). Computational tools for this variant suggests no significant impact on splicing and does not affect the protein function (MAPP+PolyPhen-2 prior probability for pathogenicity: 0.0.09)(BP4). To our knowledge, neither relevant clinical data nor functional studies have not been reported for this variant. In addition, the variant has been reported in the ClinVar database (4x uncertain significance) but has not been identified neither ClinVar, LOVD nor InSiGHT databases. Based on currently available information, the variant c.12G>C is classified as an uncertain significance variant according to ACMG guidelines.

Labcorp Genetics (formerly Invitae), Labcorp
Classification: Uncertain significance for Hereditary nonpolyposis colorectal neoplasms. Last evaluated: 2024-01-18. Review status: criteria provided, single submitter. Criteria: Invitae Variant Classification Sherloc (09022015). Collection method: clinical testing. Allele origin: germline.
Comment: This sequence change replaces glutamine, which is neutral and polar, with histidine, which is basic and polar, at codon 4 of the MSH6 protein (p.Gln4His). This variant is not present in population databases (gnomAD no frequency). This variant has not been reported in the literature in individuals affected with MSH6-related conditions. ClinVar contains an entry for this variant (Variation ID: 1769374). Advanced modeling of protein sequence and biophysical properties (such as structural, functional, and spatial information, amino acid conservation, physicochemical variation, residue mobility, and thermodynamic stability) performed at Invitae indicates that this missense variant is not expected to disrupt MSH6 protein function with a negative predictive value of 95%. In summary, the available evidence is currently insufficient to determine the role of this variant in disease. Therefore, it has been classified as a Variant of Uncertain Significance.

Baylor Genetics
Classification: Uncertain significance for Endometrial carcinoma. Last evaluated: 2023-10-29. Review status: criteria provided, single submitter. Criteria: ACMG Guidelines, 2015. Collection method: clinical testing. Allele origin: unknown.

All of Us Research Program, National Institutes of Health
Classification: Uncertain significance for Lynch syndrome. Last evaluated: 2023-03-28. Review status: criteria provided, single submitter. Criteria: ACMG Guidelines, 2015. Collection method: clinical testing. Allele origin: germline. Inheritance: Autosomal dominant inheritance. Observed: 1 variant allele, 1 heterozygote.
Comment: This study involves interpretation of variants in research participants for the purpose of population health screening. Participant phenotype was not available at the time of variant classification. Additional details can be found in publication PMID: 35346344, PMCID: PMC8962531

Ambry Genetics
Classification: Uncertain significance for Hereditary cancer-predisposing syndrome. Last evaluated: 2021-07-22. Review status: criteria provided, single submitter. Criteria: Ambry Variant Classification Scheme 2023. Collection method: clinical testing. Allele origin: germline.
Comment: The p.Q4H variant (also known as c.12G>C), located in coding exon 1 of the MSH6 gene, results from a G to C substitution at nucleotide position 12. The glutamine at codon 4 is replaced by histidine, an amino acid with highly similar properties. This amino acid position is highly conserved in available vertebrate species. In addition, the in silico prediction for this alteration is inconclusive. Since supporting evidence is limited at this time, the clinical significance of this alteration remains unclear.

NM_000179.3(MSH6):c.12G>C (p.Gln4His)

Gene: MSH6 (mutS homolog 6; plus strand). Cytogenetic location: 2p16.3.
Variant type: single nucleotide variant.
Coding change: c.12G>C on transcript NM_000179.3 (MANE Select); coding-DNA position 12, G replaced by C.
Protein change: p.Gln4His; replaces glutamine 4 with histidine.
Molecular consequence: missense variant. On other transcripts: 5 prime UTR variant (1).
Genome position (GRCh38, 1-based): chr2:47,783,245, G>C. VCF-style: chr2-47783245-G-C. GRCh37 (hg19) VCF-style: chr2-48010384-G-C.
Other names: c.12G>C, p.Gln4His (NM_001406809.1, NM_001406813.1, NM_001406817.1 and 9 more transcripts); c.-725G>C (NM_001406811.1, NM_001281493.2); c.-572G>C (NM_001406812.1); c.-983G>C (NM_001406814.1); c.-528G>C (NM_001406816.1); c.-317G>C (NM_001406799.1); c.-44G>C (NM_001406804.1); c.-917G>C (NM_001406807.1); short protein forms Q4H.
Identifiers: ClinVar variation 1769374 (VCV001769374.8), dbSNP rs1558644700, ClinGen allele CA346734479.